The following is an entry in ClinVar:

ClinVar aggregate classification (germline): Likely benign (1 of 4 stars; one submission).

Conditions:
Generalized epilepsy-paroxysmal dyskinesia syndrome (PNKD3). Also called: Paroxysmal nonkinesigenic dyskinesia, 3, with or without generalized epilepsy; Generalized epilepsy and paroxysmal dyskinesia. Identifiers: Orphanet 79137, MedGen C5574945, MONDO:0012276, OMIM 609446.

Allele frequency attached by ClinVar (database versions not stated): gnomAD exomes 0.00066; gnomAD 0.00841 and 0.00873; 1000 Genomes Project 30x 0.01280; TOPMed 0.00943; 1000 Genomes Project 0.01198.
gnomAD v4.1: 1,853 of 985,186 alleles (0.19%); highest among the groups gnomAD compares: African/African-American, 2.8%; 31 homozygotes.

Submission:

Illumina Laboratory Services, Illumina
Classification: Likely benign for Generalized epilepsy-paroxysmal dyskinesia syndrome. Last evaluated: 2018-01-13. Review status: criteria provided, single submitter. Criteria: ICSL Variant Classification Criteria 13 December 2019. Collection method: clinical testing. Allele origin: germline.
Comment: This variant was observed in the ICSL laboratory as part of a predisposition screen in an ostensibly healthy population. It had not been previously curated by ICSL or reported in the Human Gene Mutation Database (HGMD: prior to June 1st, 2018), and was therefore a candidate for classification through an automated scoring system. Utilizing variant allele frequency, disease prevalence and penetrance estimates, and inheritance mode, an automated score was calculated to assess if this variant is too frequent to cause the disease. Based on the score and internal cut-off values, a variant classified as likely benign is not then subjected to further curation. The score for this variant resulted in a classification of likely benign for this disease.

NM_001161352.2(KCNMA1):c.*932G>T

Gene: KCNMA1 (potassium calcium-activated channel subfamily M alpha 1; minus strand). Cytogenetic location: 10q22.3.
Variant type: single nucleotide variant.
Coding change: c.*932G>T on transcript NM_001161352.2 (MANE Select); 932 bases downstream of the stop codon, G replaced by T.
Molecular consequence: 3 prime UTR variant. On other transcripts: intron variant (7).
Genome position (GRCh38, 1-based): chr10:76,886,334, C>A on the plus strand (G>T on the coding strand, the complement: KCNMA1 is on the minus strand). VCF-style: chr10-76886334-C-A. GRCh37 (hg19) VCF-style: chr10-78646092-C-A.
Other names: c.*932G>T (NM_001161353.2, NM_001271519.2, NM_001322836.2 and 2 more transcripts); c.3362+957G>T (NM_001271518.2); c.3512+957G>T (NM_001322832.2); c.3521+957G>T (NM_001322829.2); c.3524+957G>T (NM_001014797.3); c.3605+957G>T (NM_001322835.2); c.3614+957G>T (NM_001322830.2); c.3059+957G>T (NM_001322838.2).
Identifiers: ClinVar variation 300943 (VCV000300943.5), dbSNP rs76644618, ClinGen allele CA10632320.